The following is an entry in ClinVar:

NM_001308330.2(STXBP5L):c.2613T>C (p.Ala871=)

Gene: STXBP5L (syntaxin binding protein 5L; plus strand). Cytogenetic location: 3q13.33.
Variant type: single nucleotide variant.
Coding change: c.2613T>C on transcript NM_001308330.2 (MANE Select); coding-DNA position 2613, T replaced by C.
Protein change: p.Ala871=; no amino-acid change (alanine 871 retained).
Molecular consequence: synonymous variant. On other transcripts: non-coding transcript variant (1).
Genome position (GRCh38, 1-based): chr3:121,407,268, T>C. VCF-style: chr3-121407268-T-C. GRCh37 (hg19) VCF-style: chr3-121126115-T-C.
Other names: c.2685T>C, p.Ala895= (NM_001348343.2, NM_014980.3); c.2613T>C, p.Ala871= (NM_001348344.2, NM_001348345.2).
Identifiers: ClinVar variation 3049133 (VCV003049133.2), dbSNP rs372303212, ClinGen allele CA2561851.

ClinVar aggregate classification (germline): Likely benign (0 of 4 stars; one submission).

Conditions:
STXBP5L-related disorder. Also called: STXBP5L-related condition.

Allele frequency attached by ClinVar (database versions not stated): ExAC 0.00011; gnomAD 0.00011; TOPMed 0.00013; ESP Exome Variant Server 0.00025; gnomAD exomes 0.00030.
gnomAD v4.1: 426 of 1,580,560 alleles (0.027%); highest among the groups gnomAD compares: Non-Finnish European, 0.036%; no homozygotes.

Submission:

PreventionGenetics, part of Exact Sciences
Classification: Likely benign for STXBP5L-related condition. Last evaluated: 2019-11-19. Review status: no assertion criteria provided. Collection method: clinical testing. Allele origin: germline.
Comment: This variant is classified as likely benign based on ACMG/AMP sequence variant interpretation guidelines (Richards et al. 2015 PMID: 25741868, with internal and published modifications).